The following is an entry in ClinVar:

ClinVar aggregate classification (germline): Conflicting classifications of pathogenicity. Review status: criteria provided, conflicting classifications (1 of 4 stars). 4 submissions from 4 submitters: Uncertain significance (2); Likely benign (2). Last evaluated 2024-11-06.

Conditions:
Cardiovascular phenotype. Identifiers: MedGen CN230736.
Long QT syndrome (LQTS). Identifiers: MedGen C0023976, MeSH D008133, MONDO:0002442. Disease mechanism: loss of function. Inheritance: Various modes of inheritance.

Allele frequency attached by ClinVar (database versions not stated): gnomAD exomes below 0.00001 and 0.00003; gnomAD 0.00001; TOPMed 0.00001.
gnomAD v4.1: 48 of 1,608,448 alleles (0.003%); highest among the groups gnomAD compares: Non-Finnish European, 0.0037%; no homozygotes.

Submissions (4):

Labcorp Genetics (formerly Invitae), Labcorp
Classification: Uncertain significance for Long QT syndrome. Last evaluated: 2024-11-06. Review status: criteria provided, single submitter. Criteria: Invitae Variant Classification Sherloc (09022015). Collection method: clinical testing. Allele origin: germline.
Comment: This sequence change replaces methionine, which is neutral and non-polar, with threonine, which is neutral and polar, at codon 2017 of the CACNA1C protein (p.Met2017Thr). This variant is present in population databases (rs786205742, gnomAD 0.007%). This variant has not been reported in the literature in individuals affected with CACNA1C-related conditions. ClinVar contains an entry for this variant (Variation ID: 190629). Invitae Evidence Modeling of protein sequence and biophysical properties (such as structural, functional, and spatial information, amino acid conservation, physicochemical variation, residue mobility, and thermodynamic stability) indicates that this missense variant is not expected to disrupt CACNA1C protein function with a negative predictive value of 95%. In summary, the available evidence is currently insufficient to determine the role of this variant in disease. Therefore, it has been classified as a Variant of Uncertain Significance.

Ambry Genetics
Classification: Likely benign for Cardiovascular phenotype. Last evaluated: 2022-09-28. Review status: criteria provided, single submitter. Criteria: Ambry Variant Classification Scheme 2023. Collection method: clinical testing. Allele origin: germline.

CeGaT Center for Human Genetics Tuebingen
Classification: Uncertain significance. Last evaluated: 2022-05-01. Review status: criteria provided, single submitter. Criteria: CeGaT Center For Human Genetics Tuebingen Variant Classification Criteria Version 2. Collection method: clinical testing. Allele origin: germline. Affected: yes. Observed: 1 variant allele.
Comment: CACNA1C: PM2, BP4

GeneDx
Classification: Likely benign. Last evaluated: 2011-08-11. Review status: criteria provided, single submitter. Criteria: GeneDx Variant Classification (06012015). Collection method: clinical testing. Allele origin: germline. Affected: yes.
Comment: This variant is considered likely benign or benign based on one or more of the following criteria: it is a conservative change, it occurs at a poorly conserved position in the protein, it is predicted to be benign by multiple in silico algorithms, and/or has population frequency not consistent with disease.

NM_000719.7(CACNA1C):c.6050T>C (p.Met2017Thr)

Genes: CACNA1C (calcium voltage-gated channel subunit alpha1 C; plus strand), CACNA1C-AS1 (CACNA1C antisense RNA 1; minus strand). Cytogenetic location: 12p13.33.
Variant type: single nucleotide variant.
Coding change: c.6050T>C on transcript NM_000719.7 (MANE Select); coding-DNA position 6050, T replaced by C.
Protein change: p.Met2017Thr; replaces methionine 2017 with threonine.
Molecular consequence: missense variant.
Genome position (GRCh38, 1-based): chr12:2,688,712, T>C. VCF-style: chr12-2688712-T-C. GRCh37 (hg19) VCF-style: chr12-2797878-T-C.
Other names: p.M2017T:ATG>ACG; c.6194T>C, p.Met2065Thr (NM_001129827.2); c.6173T>C, p.Met2058Thr (NM_001129829.2); c.6155T>C, p.Met2052Thr (NM_001129830.3, NM_001167624.3); c.6134T>C, p.Met2045Thr (NM_001129831.2); c.6110T>C, p.Met2037Thr (NM_001129832.2); c.6107T>C, p.Met2036Thr (NM_001129833.2, NM_001129834.2, NM_001129835.2); c.6101T>C, p.Met2034Thr (NM_001129836.2); and 7 more; short protein forms M2017T, M2052T, M2065T, M2014T, M2025T, M2100T, M2006T, M2023T.
Identifiers: ClinVar variation 190629 (VCV000190629.32), dbSNP rs786205742, ClinGen allele CA301204.